The following is an entry in ClinVar:

NM_002109.6(HARS1):c.1195-1G>A

Gene: HARS1 (histidyl-tRNA synthetase 1; minus strand). Cytogenetic location: 5q31.3.
Variant type: single nucleotide variant.
Coding change: c.1195-1G>A on transcript NM_002109.6 (MANE Select); the canonical splice acceptor site of the intron before coding-DNA position 1195, G replaced by A.
Molecular consequence: splice acceptor variant.
Genome position (GRCh38, 1-based): chr5:140,675,134, C>T on the plus strand (G>A on the coding strand, the complement: HARS1 is on the minus strand). VCF-style: chr5-140675134-C-T. GRCh37 (hg19) VCF-style: chr5-140054719-C-T.
Other names: c.1108-1G>A (NM_001289094.2); c.853-1G>A (NM_001289093.2); c.1015-1G>A (NM_001258042.3); c.1075-1G>A (NM_001258040.3); c.973-1G>A (NM_001289092.2); c.1135-1G>A (NM_001258041.3); c.1195-1G>A (NM_002109.5).
Identifiers: ClinVar variation 1680294 (VCV001680294.9), dbSNP rs1758289022, ClinGen allele CA361248990.

ClinVar aggregate classification (germline): Uncertain significance. Review status: criteria provided, multiple submitters, no conflicts (2 of 4 stars). 2 submissions from 2 submitters: Uncertain significance (2). Last evaluated 2024-08-04.

Conditions:
Usher syndrome type 3B. Also called: USHER SYNDROME, TYPE IIIB. Identifiers: MedGen C3281066, MONDO:0013788, OMIM 614504.

Allele frequency attached by ClinVar (database versions not stated): gnomAD exomes below 0.00001; gnomAD 0.00001.
gnomAD v4.1: 2 of 1,579,378 alleles (0.00013%); highest among the groups gnomAD compares: Admixed American, 0.0033%; no homozygotes.

Submissions (2):

Labcorp Genetics (formerly Invitae), Labcorp
Classification: Uncertain significance for Usher syndrome type 3B. Last evaluated: 2024-08-04. Review status: criteria provided, single submitter. Criteria: Invitae Variant Classification Sherloc (09022015). Collection method: clinical testing. Allele origin: germline.
Comment: This sequence change affects an acceptor splice site in intron 10 of the HARS gene. It is expected to disrupt RNA splicing. Variants that disrupt the donor or acceptor splice site typically lead to a loss of protein function (PMID: 16199547), however the current clinical and genetic evidence is not sufficient to establish whether loss-of-function variants in HARS cause disease. This variant is not present in population databases (gnomAD no frequency). This variant has not been reported in the literature in individuals affected with HARS-related conditions. ClinVar contains an entry for this variant (Variation ID: 1680294). Algorithms developed to predict the effect of sequence changes on RNA splicing suggest that this variant may disrupt the consensus splice site. In summary, the available evidence is currently insufficient to determine the role of this variant in disease. Therefore, it has been classified as a Variant of Uncertain Significance.

Mayo Clinic Laboratories, Mayo Clinic
Classification: Uncertain significance. Last evaluated: 2022-03-16. Review status: criteria provided, single submitter. Criteria: ACMG Guidelines, 2015. Collection method: clinical testing. Allele origin: germline. Observed: 1 variant allele.
Comment: PP3, PM2

Literature cited by the submitters: PubMed 16199547 (cited by Labcorp Genetics (formerly Invitae), Labcorp).